The following is an entry in ClinVar:

NM_000422.3(KRT17):c.372C>T (p.Ala124=)

Gene: KRT17 (keratin 17; minus strand). Cytogenetic location: 17q21.2.
Variant type: single nucleotide variant.
Coding change: c.372C>T on transcript NM_000422.3 (MANE Select); coding-DNA position 372, C replaced by T.
Protein change: p.Ala124=; no amino-acid change (alanine 124 retained).
Molecular consequence: synonymous variant.
Genome position (GRCh38, 1-based): chr17:41,624,138, G>A on the plus strand (C>T on the coding strand, the complement: KRT17 is on the minus strand). VCF-style: chr17-41624138-G-A. GRCh37 (hg19) VCF-style: chr17-39780390-G-A.
Identifiers: ClinVar variation 3047810 (VCV003047810.5), dbSNP rs200866964, ClinGen allele CA8563784.

ClinVar aggregate classification (germline): Benign/Likely benign. Review status: criteria provided, multiple submitters, no conflicts (2 of 4 stars). 3 submissions from 3 submitters: Benign (1); Likely benign (1). 1 of the submissions does not count toward it. Last evaluated 2025-03-01.

Conditions:
KRT17-related disorder. Also called: KRT17-related condition.

Allele frequency attached by ClinVar (database versions not stated): TOPMed 0.00005; ESP Exome Variant Server 0.00015; gnomAD exomes 0.00017; gnomAD 0.00018; ExAC 0.00027.

Submissions (3):

Labcorp Genetics (formerly Invitae), Labcorp
Classification: Benign. Last evaluated: 2025-03-01. Review status: criteria provided, single submitter. Criteria: Invitae Variant Classification Sherloc (09022015). Collection method: clinical testing. Allele origin: germline.

Blueprint Genetics
Classification: Likely benign. Last evaluated: 2024-11-07. Review status: criteria provided, single submitter. Criteria: ACMG Guidelines, 2015. Collection method: clinical testing. Allele origin: germline.

PreventionGenetics, part of Exact Sciences
Classification: Likely benign for KRT17-related condition. Last evaluated: 2019-04-24. Review status: no assertion criteria provided. Collection method: clinical testing. Allele origin: germline. Not counted in ClinVar's aggregate classification.
Comment: This variant is classified as likely benign based on ACMG/AMP sequence variant interpretation guidelines (Richards et al. 2015 PMID: 25741868, with internal and published modifications).